The following is an entry in ClinVar:

NM_004984.4(KIF5A):c.2549_2562dup (p.Arg855fs)

Gene: KIF5A (kinesin family member 5A; plus strand). Cytogenetic location: 12q13.3.
Variant type: Duplication.
Coding change: c.2549_2562dup on transcript NM_004984.4 (MANE Select); coding-DNA positions 2549 to 2562, 14 bases duplicated (ACAATGCAGATCTG).
Protein change: p.Arg855fs; shifts the reading frame from arginine 855.
Molecular consequence: frameshift variant.
Genome position (GRCh38, 1-based): chr12:57,580,966-57,580,979, ACAATGCAGATCTG duplicated; duplicating any 14 consecutive bases within chr12:57,580,964-57,580,979 gives the same sequence; the c. name uses the placement nearest the transcript's 3' end. VCF-style (leftmost placement, unchanged base first): chr12-57580963-G-GTGACAATGCAGATC. GRCh37 (hg19) VCF-style: chr12-57974746-G-GTGACAATGCAGATC.
Other names: c.2282_2295dup, p.Arg766fs (NM_001354705.2); c.2549_2562dup14 (NM_004984.4); short protein forms R766fs, R855fs.
Identifiers: ClinVar variation 3384771 (VCV003384771.1).

ClinVar aggregate classification (germline): Pathogenic (1 of 4 stars; one submission).

Conditions:
Spastic Paraglegia 10.

Submission:

Women's Health and Genetics/Laboratory Corporation of America, LabCorp
Classification: Pathogenic for Spastic Paraglegia 10. Last evaluated: 2024-10-10. Review status: criteria provided, single submitter. Criteria: LabCorp Variant Classification Summary - May 2015. Collection method: clinical testing. Allele origin: germline.
Comment: Variant summary: KIF5A c.2549_2562dup14 (p.Arg855ThrfsX30) results in a premature termination codon, predicted to cause a truncation of the encoded protein or absence of the protein due to nonsense mediated decay, which are commonly known mechanisms for disease. The variant was absent in 251158 control chromosomes. To our knowledge, no occurrence of c.2549_2562dup14 in individuals affected with Spastic Paraglegia 10 and no experimental evidence demonstrating its impact on protein function have been reported. No submitters have cited clinical-significance assessments for this variant to ClinVar. Based on the evidence outlined above, the variant was classified as pathogenic.